The following is an entry in ClinVar:

ClinVar aggregate classification (germline): Uncertain significance (1 of 4 stars; one submission).

Conditions:
Cardiovascular phenotype. Identifiers: MedGen CN230736.

Submission:

Ambry Genetics
Classification: Uncertain significance for Cardiovascular phenotype. Last evaluated: 2024-10-29. Review status: criteria provided, single submitter. Criteria: Ambry Variant Classification Scheme 2023. Collection method: clinical testing. Allele origin: germline.
Comment: The p.R1376K variant (also known as c.4127G>A), located in coding exon 23 of the FLNC gene, results from a G to A substitution at nucleotide position 4127. The amino acid change results in arginine to lysine at codon 1376, an amino acid with highly similar properties. However, this change occurs in the last base pair of coding exon 23, which makes it likely to have some effect on normal mRNA splicing. This nucleotide position is highly conserved in available vertebrate species. In silico splice site analysis predicts that this alteration will not have any significant effect on splicing. This amino acid position is highly conserved in available vertebrate species. In addition, as a missense substitution this is predicted to be inconclusive by in silico analysis. Based on the available evidence, the clinical significance of this variant remains unclear.

NM_001458.5(FLNC):c.4127G>A (p.Arg1376Lys)

Gene: FLNC (filamin C; plus strand). Cytogenetic location: 7q32.1.
Variant type: single nucleotide variant.
Coding change: c.4127G>A on transcript NM_001458.5 (MANE Select); coding-DNA position 4127, G replaced by A.
Protein change: p.Arg1376Lys; replaces arginine 1376 with lysine.
Molecular consequence: missense variant.
Genome position (GRCh38, 1-based): chr7:128,846,463, G>A. VCF-style: chr7-128846463-G-A. GRCh37 (hg19) VCF-style: chr7-128486517-G-A.
Other names: c.4127G>A, p.Arg1376Lys (NM_001127487.2); short protein forms R1376K.
Identifiers: ClinVar variation 3515952 (VCV003515952.1).